The following is an entry in ClinVar:

ClinVar aggregate classification (germline): Benign/Likely benign. Review status: criteria provided, multiple submitters, no conflicts (2 of 4 stars). 8 submissions from 7 submitters: Benign (7); Likely benign (1). Last evaluated 2026-02-01.

Conditions:
Cranioectodermal dysplasia 2 (CED2). Identifiers: Orphanet 1515, MedGen C3150874, MONDO:0013323, OMIM 613610.
Short-rib thoracic dysplasia 7 with or without polydactyly (SRTD7). Also called: SHORT-RIB THORACIC DYSPLASIA 7 WITH POLYDACTYLY; Short rib polydactyly syndrome 5. Identifiers: Orphanet 498497, Orphanet 93271, MedGen C3279792, MONDO:0013569, OMIM 614091.

Allele frequency attached by ClinVar (database versions not stated): ESP Exome Variant Server 0.00023; gnomAD 0.00186 and 0.00188; TOPMed 0.00303; 1000 Genomes Project 0.00319; 1000 Genomes Project 30x 0.00344; ExAC 0.00624.
gnomAD v4.1: 2,559 of 1,613,700 alleles (0.16%); highest among the groups gnomAD compares: Admixed American, 4.1%; 85 homozygotes.

Submissions (8):

Labcorp Genetics (formerly Invitae), Labcorp
Classification: Benign for Cranioectodermal dysplasia 2; Short-rib thoracic dysplasia 7 with or without polydactyly. Last evaluated: 2026-02-01. Review status: criteria provided, single submitter. Criteria: Invitae Variant Classification Sherloc (09022015). Collection method: clinical testing. Allele origin: germline.

Blueprint Genetics
Classification: Likely benign. Last evaluated: 2024-11-06. Review status: criteria provided, single submitter. Criteria: ACMG Guidelines, 2015. Collection method: clinical testing. Allele origin: germline.

ARUP Laboratories, Molecular Genetics and Genomics, ARUP Laboratories
Classification: Benign. Last evaluated: 2023-09-13. Review status: criteria provided, single submitter. Criteria: ARUP Molecular Germline Variant Investigation Process 2024. Collection method: clinical testing. Allele origin: germline.

Mayo Clinic Laboratories, Mayo Clinic
Classification: Benign. Last evaluated: 2023-04-03. Review status: criteria provided, single submitter. Criteria: ACMG Guidelines, 2015. Collection method: clinical testing. Allele origin: germline. Observed: 3 variant alleles.

GeneDx
Classification: Benign. Last evaluated: 2019-01-24. Review status: criteria provided, single submitter. Criteria: GeneDx Variant Classification Process June 2021. Collection method: clinical testing. Allele origin: germline. Affected: yes.

Illumina Laboratory Services, Illumina
Classification: Benign for Short-rib thoracic dysplasia 7 with or without polydactyly. Last evaluated: 2018-01-13. Review status: criteria provided, single submitter. Criteria: ICSL Variant Classification Criteria 13 December 2019. Collection method: clinical testing. Allele origin: germline.
Comment: This variant was observed in the ICSL laboratory as part of a predisposition screen in an ostensibly healthy population. It had not been previously curated by ICSL or reported in the Human Gene Mutation Database (HGMD: prior to June 1st, 2018), and was therefore a candidate for classification through an automated scoring system. Utilizing variant allele frequency, disease prevalence and penetrance estimates, and inheritance mode, an automated score was calculated to assess if this variant is too frequent to cause the disease. Based on the score and internal cut-off values, a variant classified as benign is not then subjected to further curation. The score for this variant resulted in a classification of benign for this disease.

Illumina Laboratory Services, Illumina
Classification: Benign for Cranioectodermal dysplasia 2. Last evaluated: 2018-01-13. Review status: criteria provided, single submitter. Criteria: ICSL Variant Classification Criteria 13 December 2019. Collection method: clinical testing. Allele origin: germline.
Comment: the same text as in the submission from Illumina Laboratory Services, Illumina above.

Eurofins Ntd Llc (ga)
Classification: Benign. Last evaluated: 2013-10-10. Review status: criteria provided, single submitter. Criteria: EGL Classification Definitions 2015. Collection method: clinical testing. Allele origin: germline. Observed: 2 variant alleles, 1 heterozygote, 1 homozygote.

NM_020779.4(WDR35):c.2566G>T (p.Val856Phe)

Genes: WDR35 (WD repeat domain 35; minus strand), LOC129933186 (ATAC-STARR-seq lymphoblastoid active region 15370; plus strand). Cytogenetic location: 2p24.1.
Variant type: single nucleotide variant.
Coding change: c.2566G>T on transcript NM_020779.4 (MANE Select); coding-DNA position 2566, G replaced by T.
Protein change: p.Val856Phe; replaces valine 856 with phenylalanine.
Molecular consequence: missense variant.
Genome position (GRCh38, 1-based): chr2:19,933,493, C>A on the plus strand (G>T on the coding strand, the complement: WDR35 is on the minus strand). VCF-style: chr2-19933493-C-A. GRCh37 (hg19) VCF-style: chr2-20133254-C-A.
Other names: c.2599G>T, p.Val867Phe (NM_001006657.2); short protein forms V867F, V856F.
Identifiers: ClinVar variation 93463 (VCV000093463.30), dbSNP rs149667250, ClinGen allele CA146986.